The following is an entry in ClinVar:

NM_005560.6(LAMA5):c.4607A>G (p.Gln1536Arg)

Gene: LAMA5 (laminin subunit alpha 5; minus strand). Cytogenetic location: 20q13.33.
Variant type: single nucleotide variant.
Coding change: c.4607A>G on transcript NM_005560.6 (MANE Select); coding-DNA position 4607, A replaced by G.
Protein change: p.Gln1536Arg; replaces glutamine 1536 with arginine.
Molecular consequence: missense variant.
Genome position (GRCh38, 1-based): chr20:62,328,286, T>C on the plus strand (A>G on the coding strand, the complement: LAMA5 is on the minus strand). VCF-style: chr20-62328286-T-C. GRCh37 (hg19) VCF-style: chr20-60903342-T-C.
Other names: p.Gln1536Arg; c.4607A>G (NM_005560.4); short protein forms Q1536R.
Identifiers: ClinVar variation 2068320 (VCV002068320.9), dbSNP rs147007704, ClinGen allele CA9942551.

ClinVar aggregate classification (germline): Uncertain significance. Review status: criteria provided, multiple submitters, no conflicts (2 of 4 stars). 4 submissions from 4 submitters: Uncertain significance (3). 1 of the submissions does not count toward it. Last evaluated 2025-06-12.

Conditions:
LAMA5-related disorder. Also called: LAMA5-Related Disorders; LAMA5-related condition.
Inborn genetic diseases. Identifiers: MedGen C0950123, MeSH D030342.

Allele frequency attached by ClinVar (database versions not stated): gnomAD exomes 0.00008; ExAC 0.00022; ESP Exome Variant Server 0.00031; 1000 Genomes Project 30x 0.00047; gnomAD 0.00050; TOPMed 0.00051; 1000 Genomes Project 0.00060.
gnomAD v4.1: 196 of 1,608,370 alleles (0.012%); highest among the groups gnomAD compares: African/African-American, 0.16%; no homozygotes.

Submissions (4):

Labcorp Genetics (formerly Invitae), Labcorp
Classification: Uncertain significance. Last evaluated: 2025-06-12. Review status: criteria provided, single submitter. Criteria: Invitae Variant Classification Sherloc (09022015). Collection method: clinical testing. Allele origin: germline.
Comment: This sequence change replaces glutamine, which is neutral and polar, with arginine, which is basic and polar, at codon 1536 of the LAMA5 protein (p.Gln1536Arg). This variant is present in population databases (rs147007704, gnomAD 0.2%). This variant has not been reported in the literature in individuals affected with LAMA5-related conditions. ClinVar contains an entry for this variant (Variation ID: 2068320). An algorithm developed to predict the effect of missense changes on protein structure and function (PolyPhen-2) suggests that this variant is likely to be disruptive. In summary, the available evidence is currently insufficient to determine the role of this variant in disease. Therefore, it has been classified as a Variant of Uncertain Significance.

Ambry Genetics
Classification: Uncertain significance for Inborn genetic diseases. Last evaluated: 2025-01-10. Review status: criteria provided, single submitter. Criteria: Ambry Variant Classification Scheme 2023. Collection method: clinical testing. Allele origin: germline.

Mayo Clinic Laboratories, Mayo Clinic
Classification: Uncertain significance. Last evaluated: 2024-07-08. Review status: criteria provided, single submitter. Criteria: ACMG Guidelines, 2015. Collection method: clinical testing. Allele origin: germline. Observed: 1 variant allele.
Comment: BP4

PreventionGenetics, part of Exact Sciences
Classification: Likely benign for LAMA5-related condition. Last evaluated: 2022-04-15. Review status: no assertion criteria provided. Collection method: clinical testing. Allele origin: germline. Not counted in ClinVar's aggregate classification.
Comment: This variant is classified as likely benign based on ACMG/AMP sequence variant interpretation guidelines (Richards et al. 2015 PMID: 25741868, with internal and published modifications).